The following is an entry in ClinVar:

ClinVar aggregate classification (germline): Uncertain significance. Review status: criteria provided, multiple submitters, no conflicts (2 of 4 stars). 2 submissions from 2 submitters: Uncertain significance (2). Last evaluated 2024-03-18.

Conditions:
Inborn genetic diseases. Identifiers: MedGen C0950123, MeSH D030342.

gnomAD v4.1: 10 of 1,432,274 alleles (0.0007%); highest among the groups gnomAD compares: East Asian, 0.022%; no homozygotes.

Submissions (2):

Ambry Genetics
Classification: Uncertain significance for Inborn genetic diseases. Last evaluated: 2024-03-18. Review status: criteria provided, single submitter. Criteria: Ambry Variant Classification Scheme 2023. Collection method: clinical testing. Allele origin: germline.

GeneDx
Classification: Uncertain significance. Last evaluated: 2023-11-29. Review status: criteria provided, single submitter. Criteria: GeneDx Variant Classification Process June 2021. Collection method: clinical testing. Allele origin: germline. Affected: yes.
Comment: In silico analysis supports that this missense variant has a deleterious effect on protein structure/function; Has not been previously published as pathogenic or benign to our knowledge

NM_005883.3(APC2):c.4475C>A (p.Ala1492Glu)

Gene: APC2 (APC regulator of WNT signaling pathway 2; plus strand). Cytogenetic location: 19p13.3.
Variant type: single nucleotide variant.
Coding change: c.4475C>A on transcript NM_005883.3 (MANE Select); coding-DNA position 4475, C replaced by A.
Protein change: p.Ala1492Glu; replaces alanine 1492 with glutamic acid.
Molecular consequence: missense variant.
Genome position (GRCh38, 1-based): chr19:1,467,776, C>A. VCF-style: chr19-1467776-C-A. GRCh37 (hg19) VCF-style: chr19-1467775-C-A.
Other names: c.4472C>A, p.Ala1491Glu (NM_001351273.1); short protein forms A1491E, A1492E.
Identifiers: ClinVar variation 3306230 (VCV003306230.2).